The following is an entry in ClinVar:

NM_006329.4(FBLN5):c.1213G>A (p.Val405Met)

Gene: FBLN5 (fibulin 5; minus strand). Cytogenetic location: 14q32.12.
Variant type: single nucleotide variant.
Coding change: c.1213G>A on transcript NM_006329.4 (MANE Select); coding-DNA position 1213, G replaced by A.
Protein change: p.Val405Met; replaces valine 405 with methionine.
Molecular consequence: missense variant. On other transcripts: nonsense (2).
Genome position (GRCh38, 1-based): chr14:91,870,358, C>T on the plus strand (G>A on the coding strand, the complement: FBLN5 is on the minus strand). VCF-style: chr14-91870358-C-T. GRCh37 (hg19) VCF-style: chr14-92336702-C-T.
Other names: c.1336G>A, p.Val446Met (NM_001384158.1); c.1264G>A, p.Val422Met (NM_001384159.1); c.1392G>A, p.Trp464Ter (NM_001384160.1); c.1224G>A, p.Trp408Ter (NM_001384161.1); c.1045G>A, p.Val349Met (NM_001384162.1); short protein forms V422M, W464*, V405M, V446M, V349M, W408*.
Identifiers: ClinVar variation 4745150 (VCV004745150.1).

ClinVar aggregate classification (germline): Uncertain significance (1 of 4 stars; one submission).

Submission:

Labcorp Genetics (formerly Invitae), Labcorp
Classification: Uncertain significance. Last evaluated: 2025-11-24. Review status: criteria provided, single submitter. Criteria: Invitae Variant Classification Sherloc (09022015). Collection method: clinical testing. Allele origin: germline.
Comment: This sequence change replaces valine, which is neutral and non-polar, with methionine, which is neutral and non-polar, at codon 405 of the FBLN5 protein (p.Val405Met). This variant is not present in population databases (gnomAD no frequency). This variant has not been reported in the literature in individuals affected with FBLN5-related conditions. Invitae Evidence Modeling of protein sequence and biophysical properties (such as structural, functional, and spatial information, amino acid conservation, physicochemical variation, residue mobility, and thermodynamic stability) indicates that this missense variant is not expected to disrupt FBLN5 protein function with a negative predictive value of 80%. In summary, the available evidence is currently insufficient to determine the role of this variant in disease. Therefore, it has been classified as a Variant of Uncertain Significance.